The following is an entry in ClinVar:

NM_000169.3(GLA):c.929T>G (p.Leu310Arg)

Genes: GLA (galactosidase alpha; minus strand), RPL36A-HNRNPH2 (RPL36A-HNRNPH2 readthrough; plus strand). Cytogenetic location: Xq22.1.
Variant type: single nucleotide variant.
Coding change: c.929T>G on transcript NM_000169.3 (MANE Select); coding-DNA position 929, T replaced by G.
Protein change: p.Leu310Arg; replaces leucine 310 with arginine.
Molecular consequence: missense variant. On other transcripts: non-coding transcript variant (3), intron variant (2).
Genome position (GRCh38, 1-based): chrX:101,398,440, A>C on the plus strand (T>G on the coding strand, the complement: GLA is on the minus strand). VCF-style: chrX-101398440-A-C. GRCh37 (hg19) VCF-style: chrX-100653428-A-C.
Other names: c.1052T>G, p.Leu351Arg (NM_001406747.1); c.929T>G, p.Leu310Arg (NM_001406748.1); c.300+2983A>C (NM_001199973.2); c.177+6618A>C (NM_001199974.2); short protein forms L310R, L351R.
Identifiers: ClinVar variation 4087585 (VCV004087585.2).

ClinVar aggregate classification (germline): Likely pathogenic (1 of 4 stars; one submission).

Conditions:
Fabry disease. Also called: ALPHA-GALACTOSIDASE A DEFICIENCY; ANDERSON-FABRY DISEASE; CERAMIDE TRIHEXOSIDASE DEFICIENCY; GLA DEFICIENCY; HEREDITARY DYSTOPIC LIPIDOSIS; Angiokeratoma corporis diffusum. Identifiers: Orphanet 324, MedGen C0002986, MONDO:0010526, OMIM 301500, HP:0001071. Disease mechanism: Fabry disease is due to inactivating mutations in the X-linked GLA gene resulting in deficiency of the enzyme Alpha Galactosidase-A., loss of function.

Submission:

Genomenon, Inc
Classification: Likely pathogenic for Fabry disease. Last evaluated: 2026-09-08. Review status: criteria provided, single submitter. Criteria: Genomenon Sequence Variant Interpretation Standards - Updated. Collection method: curation. Allele origin: germline. Affected: yes.
Comment: GLA p.Leu310Arg (c.929T>G) is a missense variant that changes the amino acid at codon 310 from Leucine to Arginine. This variant has been observed in at least one proband with clinical features consistent with Fabry disease (PMID:20367968). At least one functional study has demonstrated a substantial alteration in protein function relative to the wild-type (PMID:27657681). It is absent or not present at a significant frequency in gnomAD. In silico models predict that this variant is possibly or probably damaging. In conclusion, we classify GLA p.Leu310Arg (c.929T>G) as a likely pathogenic variant.

Literature cited by the submitters: PubMed 20367968; PubMed 27657681.